The following is an entry in ClinVar:

ClinVar aggregate classification (germline): Uncertain significance. Review status: criteria provided, multiple submitters, no conflicts (2 of 4 stars). 2 submissions from 2 submitters: Uncertain significance (2). Last evaluated 2026-06-22.

Conditions:
Primary dilated cardiomyopathy (DCM). Also called: Dilated Cardiomyopathy. Identifiers: Orphanet 217604, MedGen C0007193, MeSH D002311, MONDO:0005021, HP:0001644. Inheritance: Various modes of inheritance.

Submissions (2):

Women's Health and Genetics/Laboratory Corporation of America, LabCorp
Classification: Uncertain significance. Last evaluated: 2026-06-22. Review status: criteria provided, single submitter. Criteria: LabCorp Variant Classification Summary - May 2015. Collection method: clinical testing. Allele origin: germline.
Comment: Variant summary: NEBL c.2023_2026delAGAG (p.Arg675X) results in a premature termination codon, predicted to cause a truncation of the encoded protein or absence of the protein due to nonsense mediated decay, however current evidence is not sufficient to establish loss of function as a mechanism for disease. The variant allele was found at a frequency of 2.8e-05 in 251320 control chromosomes. The available data on variant occurrences in the general population are insufficient to allow any conclusion about variant significance. To our knowledge, no occurrence of c.2023_2026delAGAG in individuals affected with NEBL-related conditions and no experimental evidence demonstrating its impact on protein function have been reported. ClinVar contains an entry for this variant (Variation ID: 3653006). Based on the evidence outlined above, the variant was classified as uncertain significance.

Labcorp Genetics (formerly Invitae), Labcorp
Classification: Uncertain significance for Primary dilated cardiomyopathy. Last evaluated: 2025-12-09. Review status: criteria provided, single submitter. Criteria: Invitae Variant Classification Sherloc (09022015). Collection method: clinical testing. Allele origin: germline.
Comment: This sequence change creates a premature translational stop signal (p.Arg675*) in the NEBL gene. It is expected to result in an absent or disrupted protein product. However, the current clinical and genetic evidence is not sufficient to establish whether loss-of-function variants in NEBL cause disease. This variant is present in population databases (rs763778231, gnomAD 0.005%). This variant has not been reported in the literature in individuals affected with NEBL-related conditions. In summary, the available evidence is currently insufficient to determine the role of this variant in disease. Therefore, it has been classified as a Variant of Uncertain Significance.

NM_006393.3(NEBL):c.2023_2026del (p.Glu674_Arg675insTer)

Gene: NEBL (nebulette; minus strand). Cytogenetic location: 10p12.31.
Variant type: Microsatellite.
Coding change: c.2023_2026del on transcript NM_006393.3 (MANE Select); coding-DNA positions 2023 to 2026, 4 bases deleted (AGAG; older notation c.2023_2026delAGAG).
Protein change: p.Glu674_Arg675insTer.
Molecular consequence: nonsense. On other transcripts: intron variant (9).
Genome position (GRCh38, 1-based): chr10:20,819,453-20,819,456, CTCT deleted on the plus strand (AGAG on the coding strand, the reverse complement: NEBL is on the minus strand); deleting any 4 consecutive bases within chr10:20,819,453-20,819,460 gives the same sequence; the c. name uses the placement nearest the transcript's 3' end. VCF-style (leftmost placement, unchanged base first): chr10-20819452-ACTCT-A. GRCh37 (hg19) VCF-style: chr10-21108381-ACTCT-A.
Other names: c.250-6520AG[2] (NM_001377326.1, NM_001377327.1, NM_001377328.1); c.358-6520AG[2] (NM_213569.2, NM_001173484.2, NM_001377322.1); c.301-6520AG[2] (NM_001377324.1); c.292-6520AG[2] (NM_001377325.1); c.310-6520AG[2] (NM_001377323.1); c.2023_2026delAGAG (NM_006393.3).
Identifiers: ClinVar variation 3653006 (VCV003653006.3).